The following is an entry in ClinVar:

NM_001197293.3(DPYSL2):c.1174G>A (p.Gly392Ser)

Gene: DPYSL2 (dihydropyrimidinase like 2; plus strand). Cytogenetic location: 8p21.2.
Variant type: single nucleotide variant.
Coding change: c.1174G>A on transcript NM_001197293.3 (MANE Select); coding-DNA position 1174, G replaced by A.
Protein change: p.Gly392Ser; replaces glycine 392 with serine.
Molecular consequence: missense variant.
Genome position (GRCh38, 1-based): chr8:26,643,486, G>A. VCF-style: chr8-26643486-G-A. GRCh37 (hg19) VCF-style: chr8-26501002-G-A.
Other names: c.751G>A, p.Gly251Ser (NM_001244604.2); c.859G>A, p.Gly287Ser (NM_001386.6); short protein forms G287S, G392S, G251S.
Identifiers: ClinVar variation 4992448 (VCV004992448.1).

ClinVar aggregate classification (germline): Uncertain significance (1 of 4 stars; one submission).

Conditions:
DPYSL2-related disorder. Also called: DPYSL2-related condition.

Submission:

PreventionGenetics, part of Exact Sciences
Classification: Uncertain significance for DPYSL2-related condition. Last evaluated: 2026-01-02. Review status: criteria provided, single submitter. Criteria: ACMG Guidelines, 2015. Collection method: clinical testing. Allele origin: germline.
Comment: The DPYSL2 c.1174G>A variant is predicted to result in the amino acid substitution p.Gly392Ser. This variant was reported in an individual with autism spectrum disorder (Patient F11014-1, Table S20, Fu et al. 2022. PubMed ID: 35982160). This variant has not been reported in a large population database (gnomAD), indicating this variant is rare. At this time, the clinical significance of this variant is uncertain due to the absence of conclusive functional and genetic evidence.